The following is an entry in ClinVar:

NM_000535.7(PMS2):c.2535dup (p.Gly846fs)

Gene: PMS2 (PMS1 homolog 2, mismatch repair system component; minus strand). Cytogenetic location: 7p22.1.
Variant type: Duplication.
Coding change: c.2535dup on transcript NM_000535.7 (MANE Select); coding-DNA position 2535, one base duplicated (T; older notation c.2535dupT).
Protein change: p.Gly846fs; shifts the reading frame from glycine 846.
Molecular consequence: frameshift variant. On other transcripts: non-coding transcript variant (1).
Genome position (GRCh38, 1-based): chr7:5,973,453, A duplicated on the plus strand (T on the coding strand, the reverse complement: PMS2 is on the minus strand). VCF-style (leftmost placement, unchanged base first): chr7-5973452-C-CA. GRCh37 (hg19) VCF-style: chr7-6013083-C-CA.
Other names: c.1818dup, p.Gly607fs (NM_001406910.1); c.1764dup, p.Gly589fs (NM_001406911.1); c.1332dup, p.Gly445fs (NM_001406912.1); c.2130dup, p.Gly711fs (NM_001322003.2, NM_001322004.2, NM_001322005.2 and 11 more transcripts); c.2379dup, p.Gly794fs (NM_001322006.2); c.2217dup, p.Gly740fs (NM_001322007.2, NM_001322008.2, NM_001406883.1); c.2163dup, p.Gly722fs (NM_001322009.2, NM_001406887.1, NM_001406888.1); c.1974dup, p.Gly659fs (NM_001322010.2, NM_001406906.1, NM_001406907.1); and 20 more; short protein forms G535fs, G659fs, G675fs, G734fs, G740fs, G743fs, G790fs, G854fs.
Identifiers: ClinVar variation 3688857 (VCV003688857.2).
Genomic context (GRCh38, chr7:5,973,452, plus strand): 5'-ACTACGGTCAGTTCTGAGAAATGACACCCAGGTTGGCGATGTGTCTCATGGTTGGCCTTC[C>CA]ATGGGGACAGTTCCAGGGGTGGTCCATCTCCCCCATGTGGGTGATCAGTTTCTTCATCTC-3'

ClinVar aggregate classification (germline): Likely pathogenic (1 of 4 stars; one submission).

Conditions:
Hereditary nonpolyposis colorectal neoplasms. Identifiers: MedGen C0009405, MeSH D003123.

Submission:

Labcorp Genetics (formerly Invitae), Labcorp
Classification: Likely pathogenic for Hereditary nonpolyposis colorectal neoplasms. Last evaluated: 2024-03-10. Review status: criteria provided, single submitter. Criteria: Invitae Variant Classification Sherloc (09022015). Collection method: clinical testing. Allele origin: germline.
Comment: This sequence change results in a frameshift in the PMS2 gene (p.Gly846Trpfs*42). While this is not anticipated to result in nonsense mediated decay, it is expected to disrupt the last 17 amino acid(s) of the PMS2 protein and extend the protein by 25 additional amino acid residues. The frequency data for this variant in the population databases (gnomAD) is considered unreliable due to the presence of homologous sequence, such as pseudogenes or paralogs, in the genome. This frameshift has been observed in individual(s) with PMS2-related conditions (PMID: 20487569). This variant disrupts the MLH1 interaction domain of the PMS2 protein, which has been shown to be critical for PMS2-MLH1 dimerization (PMID: 10037723), and therefore mismatch repair activity (PMID: 16338176, 20533529). While functional studies have not been performed to directly test the effect of this variant on PMS2 protein function, this suggests that disruption of this region of the protein is causative of disease. This variant disrupts a region of the PMS2 protein in which other variant(s) (p.Leu856Arg) have been observed in individuals with PMS2-related conditions (Invitae). This suggests that this is a clinically significant region of the protein, and that variants that disrupt it are likely to be disease-causing. In summary, the currently available evidence indicates that the variant is pathogenic, but additional data are needed to prove that conclusively. Therefore, this variant has been classified as Likely Pathogenic.

Literature cited by the submitters: PubMed 20487569; PubMed 10037723; PubMed 16338176; PubMed 20533529.